The following is an entry in ClinVar:

ClinVar aggregate classification (germline): Uncertain significance (1 of 4 stars; one submission).

Submission:

Labcorp Genetics (formerly Invitae), Labcorp
Classification: Uncertain significance. Last evaluated: 2024-02-17. Review status: criteria provided, single submitter. Criteria: Invitae Variant Classification Sherloc (09022015). Collection method: clinical testing. Allele origin: germline.
Comment: This sequence change replaces alanine, which is neutral and non-polar, with glycine, which is neutral and non-polar, at codon 223 of the SEPT9 protein (p.Ala223Gly). This variant is not present in population databases (gnomAD no frequency). This variant has not been reported in the literature in individuals affected with SEPT9-related conditions. Algorithms developed to predict the effect of missense changes on protein structure and function output the following: SIFT: "Not Available"; PolyPhen-2: "Benign"; Align-GVGD: "Not Available". The glycine amino acid residue is found in multiple mammalian species, which suggests that this missense change does not adversely affect protein function. In summary, the available evidence is currently insufficient to determine the role of this variant in disease. Therefore, it has been classified as a Variant of Uncertain Significance.

NM_001113491.2(SEPTIN9):c.722C>G (p.Ala241Gly)

Gene: SEPTIN9 (septin 9; plus strand). Cytogenetic location: 17q25.3.
Variant type: single nucleotide variant.
Coding change: c.722C>G on transcript NM_001113491.2 (MANE Select); coding-DNA position 722, C replaced by G.
Protein change: p.Ala241Gly; replaces alanine 241 with glycine.
Molecular consequence: missense variant. On other transcripts: 5 prime UTR variant (4).
Genome position (GRCh38, 1-based): chr17:77,482,144, C>G. VCF-style: chr17-77482144-C-G. GRCh37 (hg19) VCF-style: chr17-75478226-C-G.
Other names: c.230C>G, p.Ala77Gly (NM_001113492.2, NM_001113494.1); c.701C>G, p.Ala234Gly (NM_001113493.2); c.-32C>G (NM_001113495.2, NM_001113496.2, NM_001293697.2 and 1 more transcripts); c.665C>G, p.Ala222Gly (NM_001293695.2); c.50C>G, p.Ala17Gly (NM_001293696.2); c.668C>G, p.Ala223Gly (NM_006640.5); short protein forms A17G, A234G, A241G, A77G, A223G, A222G.
Identifiers: ClinVar variation 3641651 (VCV003641651.2).